The following is an entry in ClinVar:

NM_001130004.2(ACTN1):c.2471A>G (p.Asn824Ser)

Gene: ACTN1 (actinin alpha 1; minus strand). Cytogenetic location: 14q24.1.
Variant type: single nucleotide variant.
Coding change: c.2471A>G on transcript NM_001130004.2 (MANE Select); coding-DNA position 2471, A replaced by G.
Protein change: p.Asn824Ser; replaces asparagine 824 with serine.
Molecular consequence: missense variant.
Genome position (GRCh38, 1-based): chr14:68,877,197, T>C on the plus strand (A>G on the coding strand, the complement: ACTN1 is on the minus strand). VCF-style: chr14-68877197-T-C. GRCh37 (hg19) VCF-style: chr14-69343914-T-C.
Other names: c.2405A>G, p.Asn802Ser (NM_001102.4, NM_001424012.1); c.2390A>G, p.Asn797Ser (NM_001130005.2, NM_001424014.1); c.2414A>G, p.Asn805Ser (NM_001411035.1); c.2210A>G, p.Asn737Ser (NM_001411036.1, NM_001424026.1); c.2531A>G, p.Asn844Ser (NM_001424013.1); c.2492A>G, p.Asn831Ser (NM_001424015.1); c.2429A>G, p.Asn810Ser (NM_001424016.1); c.2402A>G, p.Asn801Ser (NM_001424017.1); and 11 more; short protein forms N801S, N714S, N776S, N779S, N781S, N797S, N824S, N844S.
Identifiers: ClinVar variation 3141758 (VCV003141758.2), dbSNP rs777206901, ClinGen allele CA7241983.

ClinVar aggregate classification (germline): Uncertain significance. Review status: criteria provided, multiple submitters, no conflicts (2 of 4 stars). 2 submissions from 2 submitters: Uncertain significance (2). Last evaluated 2025-10-15.

Conditions:
Inborn genetic diseases. Identifiers: MedGen C0950123, MeSH D030342.

Allele frequency attached by ClinVar (database versions not stated): gnomAD 0.00001; gnomAD exomes 0.00001; TOPMed 0.00002; ExAC 0.00003.
gnomAD v4.1: 19 of 1,614,016 alleles (0.0012%); highest among the groups gnomAD compares: East Asian, 0.025%; no homozygotes.

Submissions (2):

Labcorp Genetics (formerly Invitae), Labcorp
Classification: Uncertain significance. Last evaluated: 2025-10-15. Review status: criteria provided, single submitter. Criteria: Invitae Variant Classification Sherloc (09022015). Collection method: clinical testing. Allele origin: germline.
Comment: This sequence change replaces asparagine, which is neutral and polar, with serine, which is neutral and polar, at codon 824 of the ACTN1 protein (p.Asn824Ser). This variant is present in population databases (rs777206901, gnomAD 0.02%). This variant has not been reported in the literature in individuals affected with ACTN1-related conditions. ClinVar contains an entry for this variant (Variation ID: 3141758). An algorithm developed to predict the effect of missense changes on protein structure and function (PolyPhen-2) suggests that this variant is likely to be disruptive. In summary, the available evidence is currently insufficient to determine the role of this variant in disease. Therefore, it has been classified as a Variant of Uncertain Significance.

Ambry Genetics
Classification: Uncertain significance for Inborn genetic diseases. Last evaluated: 2023-09-26. Review status: criteria provided, single submitter. Criteria: Ambry Variant Classification Scheme 2023. Collection method: clinical testing. Allele origin: germline.